The following is an entry in ClinVar:

ClinVar aggregate classification (germline): Uncertain significance (1 of 4 stars; one submission).

Submission:

Labcorp Genetics (formerly Invitae), Labcorp
Classification: Uncertain significance. Last evaluated: 2024-01-05. Review status: criteria provided, single submitter. Criteria: Invitae Variant Classification Sherloc (09022015). Collection method: clinical testing. Allele origin: germline.
Comment: This sequence change replaces glycine, which is neutral and non-polar, with valine, which is neutral and non-polar, at codon 400 of the COL7A1 protein (p.Gly400Val). This variant is not present in population databases (gnomAD no frequency). This variant has not been reported in the literature in individuals affected with COL7A1-related conditions. Advanced modeling of protein sequence and biophysical properties (such as structural, functional, and spatial information, amino acid conservation, physicochemical variation, residue mobility, and thermodynamic stability) performed at Invitae indicates that this missense variant is not expected to disrupt COL7A1 protein function with a negative predictive value of 95%. Algorithms developed to predict the effect of sequence changes on RNA splicing suggest that this variant may create or strengthen a splice site. In summary, the available evidence is currently insufficient to determine the role of this variant in disease. Therefore, it has been classified as a Variant of Uncertain Significance.

NM_000094.4(COL7A1):c.1199G>T (p.Gly400Val)

Gene: COL7A1 (collagen type VII alpha 1 chain; minus strand). Cytogenetic location: 3p21.31.
Variant type: single nucleotide variant.
Coding change: c.1199G>T on transcript NM_000094.4 (MANE Select); coding-DNA position 1199, G replaced by T.
Protein change: p.Gly400Val; replaces glycine 400 with valine.
Molecular consequence: missense variant.
Genome position (GRCh38, 1-based): chr3:48,592,143, C>A on the plus strand (G>T on the coding strand, the complement: COL7A1 is on the minus strand). VCF-style: chr3-48592143-C-A. GRCh37 (hg19) VCF-style: chr3-48629576-C-A.
Other names: short protein forms G400V.
Identifiers: ClinVar variation 2732441 (VCV002732441.3), dbSNP rs2531322049, ClinGen allele CA352737290.